The following is an entry in ClinVar:

ClinVar aggregate classification (germline): Pathogenic (1 of 4 stars; one submission).

Submission:

CeGaT Center for Human Genetics Tuebingen
Classification: Pathogenic. Last evaluated: 2024-10-01. Review status: criteria provided, single submitter. Criteria: CeGaT Center For Human Genetics Tuebingen Variant Classification Criteria Version 2. Collection method: clinical testing. Allele origin: germline. Affected: yes. Observed: 1 variant allele.
Comment: RHOBTB2: PVS1, PM2

NM_015178.3(RHOBTB2):c.1113dup (p.Arg372fs)

Gene: RHOBTB2 (Rho related BTB domain containing 2; plus strand). Cytogenetic location: 8p21.3.
Variant type: Duplication.
Coding change: c.1113dup on transcript NM_015178.3 (MANE Select); coding-DNA position 1113, one base duplicated (A; older notation c.1113dupA).
Protein change: p.Arg372fs; shifts the reading frame from arginine 372.
Molecular consequence: frameshift variant.
Genome position (GRCh38, 1-based): chr8:23,007,358, A duplicated. VCF-style (leftmost placement, unchanged base first): chr8-23007357-T-TA. GRCh37 (hg19) VCF-style: chr8-22864870-T-TA.
Other names: c.1179dup, p.Arg394fs (NM_001160036.2); c.1134dup, p.Arg379fs (NM_001160037.2); c.1113dup, p.Arg372fs (NM_001374791.1); short protein forms R372fs, R379fs, R394fs.
Identifiers: ClinVar variation 3390000 (VCV003390000.14).